The following is an entry in ClinVar:

ClinVar aggregate classification (germline): Uncertain significance (1 of 4 stars; one submission).

Conditions:
Cardiovascular phenotype. Identifiers: MedGen CN230736.

Submission:

Ambry Genetics
Classification: Uncertain significance for Cardiovascular phenotype. Last evaluated: 2021-12-23. Review status: criteria provided, single submitter. Criteria: Ambry Variant Classification Scheme 2023. Collection method: clinical testing. Allele origin: germline.
Comment: The p.G59S variant (also known as c.175G>A), located in coding exon 2 of the TBX1 gene, results from a G to A substitution at nucleotide position 175. The glycine at codon 59 is replaced by serine, an amino acid with similar properties. This amino acid position is conserved. In addition, this alteration is predicted to be tolerated by in silico analysis. Since supporting evidence is limited at this time, the clinical significance of this alteration remains unclear.

NM_001379200.1(TBX1):c.202G>A (p.Gly68Ser)

Gene: TBX1 (T-box transcription factor 1; plus strand). Cytogenetic location: 22q11.21.
Variant type: single nucleotide variant.
Coding change: c.202G>A on transcript NM_001379200.1 (MANE Select); coding-DNA position 202, G replaced by A.
Protein change: p.Gly68Ser; replaces glycine 68 with serine.
Molecular consequence: missense variant.
Genome position (GRCh38, 1-based): chr22:19,761,045, G>A. VCF-style: chr22-19761045-G-A. GRCh37 (hg19) VCF-style: chr22-19748568-G-A.
Other names: c.175G>A, p.Gly59Ser (NM_005992.1, NM_080646.2, NM_080647.1); short protein forms G68S, G59S.
Identifiers: ClinVar variation 1779553 (VCV001779553.2), dbSNP rs2145827999, ClinGen allele CA410681363.
Genomic context (GRCh38, chr22:19,761,045, plus strand): 5'-GGCCCGCGCGAGCCCCCGCCGCCGCCGCCGCGCTACGACCCGTGCGCCGCCGCCGCCCCC[G>A]GCGCCCCGGGCCCGCCGCCGCCGCCGCACGCCTACCCGTTTGCGCCGGCCGCCGGGGCCG-3'
Protein context (NP_001366129.1, residues 58-78): RYDPCAAAAP[Gly68Ser]APGPPPPPHA